The following is an entry in ClinVar:

NM_138694.4(PKHD1):c.2093G>A (p.Gly698Asp)

Gene: PKHD1 (PKHD1 ciliary IPT domain containing fibrocystin/polyductin; minus strand). Cytogenetic location: 6p12.2.
Variant type: single nucleotide variant.
Coding change: c.2093G>A on transcript NM_138694.4 (MANE Select); coding-DNA position 2093, G replaced by A.
Protein change: p.Gly698Asp; replaces glycine 698 with aspartic acid.
Molecular consequence: missense variant.
Genome position (GRCh38, 1-based): chr6:52,053,123, C>T on the plus strand (G>A on the coding strand, the complement: PKHD1 is on the minus strand). VCF-style: chr6-52053123-C-T. GRCh37 (hg19) VCF-style: chr6-51917921-C-T.
Other names: c.2093G>A, p.Gly698Asp (NM_170724.3); c.2093G>A (NM_138694.3); short protein forms G698D.
Identifiers: ClinVar variation 290963 (VCV000290963.17), dbSNP rs199858063, ClinGen allele CA3853345.

ClinVar aggregate classification (germline): Conflicting classifications of pathogenicity. Review status: criteria provided, conflicting classifications (1 of 4 stars). 6 submissions from 6 submitters: Uncertain significance (5); Likely benign (1). Last evaluated 2026-01-20.

Conditions:
Polycystic kidney disease 4 (PKD4). Also called: POLYCYSTIC KIDNEY AND HEPATIC DISEASE 1; POLYCYSTIC KIDNEY DISEASE, INFANTILE, TYPE I; POLYCYSTIC KIDNEY DISEASE 4 WITH OR WITHOUT POLYCYSTIC LIVER DISEASE; PKD3; Autosomal Recessive Polycystic Kidney Disease – PKHD1. Identifiers: MedGen C4540575, MONDO:0033004, OMIM 263200.
PKHD1-related disorder. Also called: PKHD1-related condition.
Autosomal recessive polycystic kidney disease (ARPKD). Also called: AR polycystic kidney disease. Identifiers: Orphanet 731, Orphanet 8378, MedGen C0085548, MeSH D017044, MONDO:0009889.

Allele frequency attached by ClinVar (database versions not stated): ExAC 0.00010; gnomAD 0.00011; TOPMed 0.00011.
gnomAD v4.1: 223 of 1,614,012 alleles (0.014%); highest among the groups gnomAD compares: Non-Finnish European, 0.018%; no homozygotes.

Submissions (6):

Labcorp Genetics (formerly Invitae), Labcorp
Classification: Likely benign for Autosomal recessive polycystic kidney disease. Last evaluated: 2026-01-20. Review status: criteria provided, single submitter. Criteria: Invitae Variant Classification Sherloc (09022015). Collection method: clinical testing. Allele origin: germline.

PreventionGenetics, part of Exact Sciences
Classification: Uncertain significance for PKHD1-related condition. Last evaluated: 2025-06-25. Review status: criteria provided, single submitter. Criteria: ACMG Guidelines, 2015. Collection method: clinical testing. Allele origin: germline.
Comment: The PKHD1 c.2093G>A variant is predicted to result in the amino acid substitution p.Gly698Asp. To our knowledge, this variant has not been reported in the literature. This variant is reported in 0.016% of alleles in individuals of European (Non-Finnish) descent in gnomAD. At this time, the clinical significance of this variant is uncertain due to the absence of conclusive functional and genetic evidence.

Fulgent Genetics
Classification: Uncertain significance for Polycystic kidney disease 4. Last evaluated: 2024-05-17. Review status: criteria provided, single submitter. Criteria: ACMG Guidelines, 2015. Collection method: clinical testing. Allele origin: germline.

GeneDx
Classification: Uncertain significance. Last evaluated: 2023-12-26. Review status: criteria provided, single submitter. Criteria: GeneDx Variant Classification Process June 2021. Collection method: clinical testing. Allele origin: germline. Affected: yes.
Comment: In silico analysis supports that this missense variant does not alter protein structure/function; Has not been previously published as pathogenic or benign to our knowledge

Department of Pathology and Laboratory Medicine, Sinai Health System
Classification: Uncertain significance for Polycystic kidney disease 4. Last evaluated: 2022-07-04. Review status: criteria provided, single submitter. Criteria: ACMG Guidelines, 2015. Collection method: research. Allele origin: germline.

Eurofins Ntd Llc (ga)
Classification: Uncertain significance. Last evaluated: 2017-11-09. Review status: criteria provided, single submitter. Criteria: EGL Classification Definitions 2015. Collection method: clinical testing. Allele origin: germline. Observed: 2 variant alleles, 2 heterozygotes.